The following is an entry in ClinVar:

NM_004385.5(VCAN):c.403G>T (p.Gly135Trp)

Gene: VCAN (versican; plus strand). Cytogenetic location: 5q14.2.
Variant type: single nucleotide variant.
Coding change: c.403G>T on transcript NM_004385.5 (MANE Select); coding-DNA position 403, G replaced by T.
Protein change: p.Gly135Trp; replaces glycine 135 with tryptophan.
Molecular consequence: missense variant.
Genome position (GRCh38, 1-based): chr5:83,490,430, G>T. VCF-style: chr5-83490430-G-T. GRCh37 (hg19) VCF-style: chr5-82786249-G-T.
Other names: c.403G>T, p.Gly135Trp (NM_001126336.3, NM_001164097.2, NM_001164098.2); short protein forms G135W.
Identifiers: ClinVar variation 4700156 (VCV004700156.2).

ClinVar aggregate classification (germline): Uncertain significance. Review status: criteria provided, multiple submitters, no conflicts (2 of 4 stars). 2 submissions from 2 submitters: Uncertain significance (2). Last evaluated 2025-09-16.

gnomAD v4.1: 3 of 1,614,154 alleles (0.00019%); highest among the groups gnomAD compares: African/African-American, 0.0013%; no homozygotes.

Submissions (2):

Labcorp Genetics (formerly Invitae), Labcorp
Classification: Uncertain significance. Last evaluated: 2025-09-16. Review status: criteria provided, single submitter. Criteria: Invitae Variant Classification Sherloc (09022015). Collection method: clinical testing. Allele origin: germline.
Comment: This sequence change replaces glycine, which is neutral and non-polar, with tryptophan, which is neutral and slightly polar, at codon 135 of the VCAN protein (p.Gly135Trp). This variant is present in population databases (rs201274252, gnomAD 0.002%). This variant has not been reported in the literature in individuals affected with VCAN-related conditions. An algorithm developed to predict the effect of missense changes on protein structure and function (PolyPhen-2) suggests that this variant is likely to be disruptive. In summary, the available evidence is currently insufficient to determine the role of this variant in disease. Therefore, it has been classified as a Variant of Uncertain Significance.

Blueprint Genetics
Classification: Uncertain significance. Last evaluated: 2019-07-19. Review status: criteria provided, single submitter. Criteria: ACMG Guidelines, 2015. Collection method: clinical testing. Allele origin: germline.